The following is an entry in ClinVar:

ClinVar aggregate classification (germline): Uncertain significance (1 of 4 stars; one submission).

gnomAD v4.1: 5 of 1,611,924 alleles (0.00031%); highest among the groups gnomAD compares: Non-Finnish European, 0.00042%; no homozygotes.

Submission:

Ambry Genetics
Classification: Uncertain significance. Last evaluated: 2024-11-21. Review status: criteria provided, single submitter. Criteria: Ambry Variant Classification Scheme 2023. Collection method: clinical testing. Allele origin: germline.
Comment: The p.I884V variant (also known as c.2650A>G), located in coding exon 11 of the WNK2 gene, results from an A to G substitution at nucleotide position 2650. The isoleucine at codon 884 is replaced by valine, an amino acid with highly similar properties. This amino acid position is conserved. In addition, this alteration is predicted to be tolerated by in silico analysis. Based on the available evidence, the clinical significance of this variant remains unclear.

NM_006648.4(WNK2):c.2650A>G (p.Ile884Val)

Gene: WNK2 (WNK lysine deficient protein kinase 2; plus strand). Cytogenetic location: 9q22.31.
Variant type: single nucleotide variant.
Coding change: c.2650A>G on transcript NM_006648.4 (MANE Select); coding-DNA position 2650, A replaced by G.
Protein change: p.Ile884Val; replaces isoleucine 884 with valine.
Molecular consequence: missense variant.
Genome position (GRCh38, 1-based): chr9:93,259,198, A>G. VCF-style: chr9-93259198-A-G. GRCh37 (hg19) VCF-style: chr9-96021480-A-G.
Other names: c.2650A>G, p.Ile884Val (NM_001282394.3); short protein forms I884V.
Identifiers: ClinVar variation 3470235 (VCV003470235.1).
Genomic context (GRCh38, chr9:93,259,198, plus strand): 5'-CCCCCTGGGGCGCCCCTGGCCATGCCCTGCCGGACCATTGTGCCAAATGCACCGGCCACT[A>G]TCCCCCTGCTGGCCGTAGCCCCACCGGGCGTGGCTGCCCTGTCCATTCATTCTGCCGTGG-3'
Protein context (NP_006639.3, residues 874-894): RTIVPNAPAT[Ile884Val]PLLAVAPPGV